The following is an entry in ClinVar:

ClinVar aggregate classification (germline): Uncertain significance. Review status: criteria provided, multiple submitters, no conflicts (2 of 4 stars). 2 submissions from 2 submitters: Uncertain significance (2). Last evaluated 2026-07-14.

Conditions:
RAI1-related disorder. Also called: RAI1-related condition.

Submissions (2):

PreventionGenetics, part of Exact Sciences
Classification: Uncertain significance for RAI1-related condition. Last evaluated: 2026-07-14. Review status: criteria provided, single submitter. Criteria: ACMG Guidelines, 2015. Collection method: clinical testing. Allele origin: germline.
Comment: The RAI1 c.4519G>T variant is predicted to result in the amino acid substitution p.Ala1507Ser. To our knowledge, this variant has not been reported in the literature or in a large population database (gnomAD), indicating this variant is rare. At this time, the clinical significance of this variant is uncertain due to the absence of conclusive functional and genetic evidence.

Labcorp Genetics (formerly Invitae), Labcorp
Classification: Uncertain significance. Last evaluated: 2023-06-16. Review status: criteria provided, single submitter. Criteria: Invitae Variant Classification Sherloc (09022015). Collection method: clinical testing. Allele origin: germline.
Comment: In summary, the available evidence is currently insufficient to determine the role of this variant in disease. Therefore, it has been classified as a Variant of Uncertain Significance. This sequence change replaces alanine, which is neutral and non-polar, with serine, which is neutral and polar, at codon 1507 of the RAI1 protein (p.Ala1507Ser). This variant is not present in population databases (gnomAD no frequency). This variant has not been reported in the literature in individuals affected with RAI1-related conditions. Advanced modeling of protein sequence and biophysical properties (such as structural, functional, and spatial information, amino acid conservation, physicochemical variation, residue mobility, and thermodynamic stability) performed at Invitae indicates that this missense variant is not expected to disrupt RAI1 protein function.

NM_030665.4(RAI1):c.4519G>T (p.Ala1507Ser)

Gene: RAI1 (retinoic acid induced 1; plus strand). Cytogenetic location: 17p11.2.
Variant type: single nucleotide variant.
Coding change: c.4519G>T on transcript NM_030665.4 (MANE Select); coding-DNA position 4519, G replaced by T.
Protein change: p.Ala1507Ser; replaces alanine 1507 with serine.
Molecular consequence: missense variant.
Genome position (GRCh38, 1-based): chr17:17,797,467, G>T. VCF-style: chr17-17797467-G-T. GRCh37 (hg19) VCF-style: chr17-17700781-G-T.
Other names: c.4519G>T (NM_030665.3); short protein forms A1507S.
Identifiers: ClinVar variation 2980199 (VCV002980199.4), dbSNP rs1314444007, ClinGen allele CA398556772.
Genomic context (GRCh38, chr17:17,797,467, plus strand): 5'-GCCAGTGAGGACAACTCTGGTGGAGGAGGCAAGAAGCCAAAGATGGAGGAGCTGGGCCTG[G>T]CCTCCCAGCCCCCGGAGGGCAGGCCCTGCCAGCCCCAGACAAGGGCACAGAAACAGCCAG-3'
Protein context (NP_109590.3, residues 1497-1517): KKPKMEELGL[Ala1507Ser]SQPPEGRPCQ